The following is an entry in ClinVar:

NM_013447.4(ADGRE2):c.1661C>T (p.Ala554Val)

Gene: ADGRE2 (adhesion G protein-coupled receptor E2; minus strand). Cytogenetic location: 19p13.12.
Variant type: single nucleotide variant.
Coding change: c.1661C>T on transcript NM_013447.4 (MANE Select); coding-DNA position 1661, C replaced by T.
Protein change: p.Ala554Val; replaces alanine 554 with valine.
Molecular consequence: missense variant.
Genome position (GRCh38, 1-based): chr19:14,752,456, G>A on the plus strand (C>T on the coding strand, the complement: ADGRE2 is on the minus strand). VCF-style: chr19-14752456-G-A. GRCh37 (hg19) VCF-style: chr19-14863268-G-A.
Other names: c.1487C>T, p.Ala496Val (NM_001271052.1); c.1514C>T, p.Ala505Val (NM_152916.2); c.1382C>T, p.Ala461Val (NM_152917.2); short protein forms A554V, A461V, A505V, A496V.
Identifiers: ClinVar variation 2391488 (VCV002391488.5), dbSNP rs778614484, ClinGen allele CA9257643.
Genomic context (GRCh38, chr19:14,752,456, plus strand): 5'-TGCAGATGCAGTGAGGTGCTGGTGTTCTGGATGGCTTTACACAGGAGAAAAGTGAGGGCC[G>A]CCAGGAGGAGGCACAGCAGAGAGACGCTCAGCCCCATGTAGGTGATGACAGTCAGCACGG-3'
Protein context (NP_038475.2, residues 544-564): LSVSLLCLLL[Ala554Val]ALTFLLCKAI

ClinVar aggregate classification (germline): Uncertain significance. Review status: criteria provided, multiple submitters, no conflicts (2 of 4 stars). 2 submissions from 2 submitters: Uncertain significance (2). Last evaluated 2025-12-01.

Allele frequency attached by ClinVar (database versions not stated): gnomAD exomes 0.00001; TOPMed 0.00002; gnomAD 0.00003; ExAC 0.00004.
gnomAD v4.1: 27 of 1,613,998 alleles (0.0017%); highest among the groups gnomAD compares: Admixed American, 0.015%; no homozygotes.

Submissions (2):

Labcorp Genetics (formerly Invitae), Labcorp
Classification: Uncertain significance. Last evaluated: 2025-12-01. Review status: criteria provided, single submitter. Criteria: Invitae Variant Classification Sherloc (09022015). Collection method: clinical testing. Allele origin: germline.
Comment: This sequence change replaces alanine, which is neutral and non-polar, with valine, which is neutral and non-polar, at codon 554 of the ADGRE2 protein (p.Ala554Val). This variant is present in population databases (rs778614484, gnomAD 0.02%). This variant has not been reported in the literature in individuals affected with ADGRE2-related conditions. ClinVar contains an entry for this variant (Variation ID: 2391488). An algorithm developed to predict the effect of missense changes on protein structure and function (PolyPhen-2) suggests that this variant is likely to be disruptive. In summary, the available evidence is currently insufficient to determine the role of this variant in disease. Therefore, it has been classified as a Variant of Uncertain Significance.

Ambry Genetics
Classification: Uncertain significance. Last evaluated: 2022-05-01. Review status: criteria provided, single submitter. Criteria: Ambry Variant Classification Scheme 2023. Collection method: clinical testing. Allele origin: germline.